The following is an entry in ClinVar:

NM_022455.5(NSD1):c.4378+549A>G

Gene: NSD1 (nuclear receptor binding SET domain protein 1; plus strand). Cytogenetic location: 5q35.3.
Variant type: single nucleotide variant.
Coding change: c.4378+549A>G on transcript NM_022455.5 (MANE Select); 549 bases into the intron after coding-DNA position 4378, A replaced by G.
Molecular consequence: intron variant.
Genome position (GRCh38, 1-based): chr5:177,244,819, A>G. VCF-style: chr5-177244819-A-G. GRCh37 (hg19) VCF-style: chr5-176671820-A-G.
Other names: c.4378+549A>G (NM_001409301.1, NM_001409302.1, NM_001409303.1); c.3958+549A>G (NM_001409304.1); c.3625+549A>G (NM_001409305.1); c.3505+549A>G (NM_001409306.1, NM_001409308.1, NM_001409307.1 and 3 more transcripts).
Identifiers: ClinVar variation 4292446 (VCV004292446.1).

ClinVar aggregate classification (germline): Uncertain significance (1 of 4 stars; one submission).

Conditions:
Sotos syndrome (SOTOS). Also called: CEREBRAL GIGANTISM; Sotos' syndrome; Distinctive facial appearance, overgrowth in childhood, and learning disabilities or delayed development; SOTOS SYNDROME 1; CHROMOSOME 5q35 DELETION SYNDROME. Identifiers: Orphanet 821, MedGen C0175695, MONDO:0019349, OMIM 117550.

Submission:

3billion
Classification: Uncertain significance for Sotos syndrome. Last evaluated: 2024-11-13. Review status: criteria provided, single submitter. Criteria: ACMG Guidelines, 2015. Collection method: clinical testing. Allele origin: germline. Affected: yes.
Comment: The variant is not observed in the gnomAD v4.1.0 dataset. Predicted Consequence/Location: Intron variant In silico tools predict the variant to alter splicing and produce an abnormal transcript [SpliceAI: 0.77 (>=0.2, moderate evidence for spliceogenicity)]. Therefore, this variant is classified as VUS according to the recommendation of ACMG/AMP guideline.